The following is an entry in ClinVar:

ClinVar aggregate classification (germline): Uncertain significance (1 of 4 stars; one submission).

Conditions:
Hereditary cancer-predisposing syndrome. Also called: Tumor predisposition; Neoplastic Syndromes, Hereditary; Hereditary Cancer Syndrome; Hereditary neoplastic syndrome. Identifiers: Orphanet 140162, MedGen C0027672, MeSH D009386, MONDO:0015356.

Submission:

Ambry Genetics
Classification: Uncertain significance for Hereditary cancer-predisposing syndrome. Last evaluated: 2024-12-29. Review status: criteria provided, single submitter. Criteria: Ambry Variant Classification Scheme 2023. Collection method: clinical testing. Allele origin: germline.
Comment: The p.S773C variant (also known as c.2317A>T), located in coding exon 14 of the PMS2 gene, results from an A to T substitution at nucleotide position 2317. The serine at codon 773 is replaced by cysteine, an amino acid with dissimilar properties. This amino acid position is conserved. In addition, this alteration is predicted to be deleterious by in silico analysis. Based on the available evidence, the clinical significance of this variant remains unclear.

NM_000535.7(PMS2):c.2317A>T (p.Ser773Cys)

Gene: PMS2 (PMS1 homolog 2, mismatch repair system component; minus strand). Cytogenetic location: 7p22.1.
Variant type: single nucleotide variant.
Coding change: c.2317A>T on transcript NM_000535.7 (MANE Select); coding-DNA position 2317, A replaced by T.
Protein change: p.Ser773Cys; replaces serine 773 with cysteine.
Molecular consequence: missense variant. On other transcripts: splice acceptor variant (2).
Genome position (GRCh38, 1-based): chr7:5,977,716, T>A on the plus strand (A>T on the coding strand, the complement: PMS2 is on the minus strand). VCF-style: chr7-5977716-T-A. GRCh37 (hg19) VCF-style: chr7-6017347-T-A.
Other names: c.1912A>T, p.Ser638Cys (NM_001322003.2, NM_001322004.2, NM_001322005.2 and 11 more transcripts); c.2161A>T, p.Ser721Cys (NM_001322006.2); c.1999A>T, p.Ser667Cys (NM_001322007.2, NM_001322008.2, NM_001406883.1); c.1945A>T, p.Ser649Cys (NM_001322009.2, NM_001406887.1, NM_001406888.1); c.1756A>T, p.Ser586Cys (NM_001322010.2, NM_001406906.1, NM_001406907.1); c.1384A>T, p.Ser462Cys (NM_001322011.2, NM_001322012.2); c.1744A>T, p.Ser582Cys (NM_001322013.2, NM_001406908.1, NM_001406909.1); c.2350A>T, p.Ser784Cys (NM_001322014.2); and 20 more; short protein forms S462C, S582C, S602C, S678C, S835C, S372C, S586C, S661C.
Identifiers: ClinVar variation 3890944 (VCV003890944.1).
Genomic context (GRCh38, chr7:5,977,716, plus strand): 5'-TGTCGCTCAGCATGAAGATCAGTTCATCGACGTCCTGGGGTCCGAAGGTCCAGTTTTTAC[T>A]AGTTGGCAAGGAAATCAGTTTAGCCCTTTCAGTGACTGGAGCTAAAAGAATACAATTTTG-3'
Protein context (NP_000526.2, residues 763-783): ERAKLISLPT[Ser773Cys]KNWTFGPQDV